The following is an entry in ClinVar:

ClinVar aggregate classification (germline): Uncertain significance. Review status: criteria provided, multiple submitters, no conflicts (2 of 4 stars). 2 submissions from 2 submitters: Uncertain significance (2). Last evaluated 2024-07-31.

Conditions:
Hereditary cancer-predisposing syndrome. Also called: Neoplastic Syndromes, Hereditary; Tumor predisposition; Hereditary Cancer Syndrome; Hereditary neoplastic syndrome. Identifiers: Orphanet 140162, MedGen C0027672, MeSH D009386, MONDO:0015356.

Submissions (2):

Ambry Genetics
Classification: Uncertain significance for Hereditary cancer-predisposing syndrome. Last evaluated: 2024-07-31. Review status: criteria provided, single submitter. Criteria: Ambry Variant Classification Scheme 2023. Collection method: clinical testing. Allele origin: germline.
Comment: The p.Q312K variant (also known as c.934C>A), located in coding exon 7 of the RAD50 gene, results from a C to A substitution at nucleotide position 934. The glutamine at codon 312 is replaced by lysine, an amino acid with similar properties. This amino acid position is highly conserved in available vertebrate species. In addition, this alteration is predicted to be tolerated by in silico analysis. Since supporting evidence is limited at this time, the clinical significance of this alteration remains unclear.

Labcorp Genetics (formerly Invitae), Labcorp
Classification: Uncertain significance for Hereditary cancer-predisposing syndrome. Last evaluated: 2018-10-05. Review status: criteria provided, single submitter. Criteria: Invitae Variant Classification Sherloc (09022015). Collection method: clinical testing. Allele origin: germline.
Comment: Algorithms developed to predict the effect of missense changes on protein structure and function (SIFT, PolyPhen-2, Align-GVGD) all suggest that this variant is likely to be tolerated, but these predictions have not been confirmed by published functional studies and their clinical significance is uncertain. In summary, the available evidence is currently insufficient to determine the role of this variant in disease. Therefore, it has been classified as a Variant of Uncertain Significance. This sequence change replaces glutamine with lysine at codon 312 of the RAD50 protein (p.Gln312Lys). The glutamine residue is moderately conserved and there is a small physicochemical difference between glutamine and lysine. This variant is not present in population databases (ExAC no frequency). This variant has not been reported in the literature in individuals with RAD50-related disease. ClinVar contains an entry for this variant (Variation ID: 482146).

NM_005732.4(RAD50):c.934C>A (p.Gln312Lys)

Gene: RAD50 (RAD50 double strand break repair protein; plus strand). Cytogenetic location: 5q31.1.
Variant type: single nucleotide variant.
Coding change: c.934C>A on transcript NM_005732.4 (MANE Select); coding-DNA position 934, C replaced by A.
Protein change: p.Gln312Lys; replaces glutamine 312 with lysine.
Molecular consequence: missense variant.
Genome position (GRCh38, 1-based): chr5:132,587,972, C>A. VCF-style: chr5-132587972-C-A. GRCh37 (hg19) VCF-style: chr5-131923664-C-A.
Other names: short protein forms Q312K.
Identifiers: ClinVar variation 482146 (VCV000482146.15), dbSNP rs1240269505, ClinGen allele CA360940984.
Genomic context (GRCh38, chr5:132,587,972, plus strand): 5'-GGTGTTACACAGGTTTTTCAAGGGACTGATGAGCAACTAAATGACTTATATCACAATCAC[C>A]AGAGAACAGTAAGGGAGAAAGAAAGGAAATTGGTAGACTGTCATCGTGAACTGGAAAAAC-3'
Protein context (NP_005723.2, residues 302-322): EQLNDLYHNH[Gln312Lys]RTVREKERKL